The following is an entry in ClinVar:

NM_001372.4(DNAH9):c.201G>A (p.Gly67=)

Gene: DNAH9 (dynein axonemal heavy chain 9; plus strand). Cytogenetic location: 17p12.
Variant type: single nucleotide variant.
Coding change: c.201G>A on transcript NM_001372.4 (MANE Select); coding-DNA position 201, G replaced by A.
Protein change: p.Gly67=; no amino-acid change (glycine 67 retained).
Molecular consequence: synonymous variant.
Genome position (GRCh38, 1-based): chr17:11,598,699, G>A. VCF-style: chr17-11598699-G-A. GRCh37 (hg19) VCF-style: chr17-11502016-G-A.
Other names: c.201G>A (NM_001372.3).
Identifiers: ClinVar variation 2711658 (VCV002711658.5), dbSNP rs527343162, ClinGen allele CA287796696.

ClinVar aggregate classification (germline): Likely benign. Review status: criteria provided, single submitter (1 of 4 stars). 2 submissions from 2 submitters: Likely benign (1). 1 of the submissions does not count toward it. Last evaluated 2025-10-26.

Conditions:
DNAH9-related disorder. Also called: DNAH9-related condition.

Allele frequency attached by ClinVar (database versions not stated): gnomAD 0.00029; 1000 Genomes Project 30x 0.00031; TOPMed 0.00033; 1000 Genomes Project 0.00040.
gnomAD v4.1: 84 of 1,373,002 alleles (0.0061%); highest among the groups gnomAD compares: African/African-American, 0.12%; no homozygotes.

Submissions (2):

Labcorp Genetics (formerly Invitae), Labcorp
Classification: Likely benign. Last evaluated: 2025-10-26. Review status: criteria provided, single submitter. Criteria: Invitae Variant Classification Sherloc (09022015). Collection method: clinical testing. Allele origin: germline.

PreventionGenetics, part of Exact Sciences
Classification: Likely benign for DNAH9-related condition. Last evaluated: 2021-04-15. Review status: no assertion criteria provided. Collection method: clinical testing. Allele origin: germline. Not counted in ClinVar's aggregate classification.
Comment: This variant is classified as likely benign based on ACMG/AMP sequence variant interpretation guidelines (Richards et al. 2015 PMID: 25741868, with internal and published modifications).